The following is an entry in ClinVar:

ClinVar aggregate classification (germline): Benign (1 of 4 stars; one submission).

Allele frequency attached by ClinVar (database versions not stated): gnomAD 0.01396 and 0.01496; 1000 Genomes Project 0.01558; TOPMed 0.01576; 1000 Genomes Project 30x 0.01655.
gnomAD v4.1: 3,981 of 990,598 alleles (0.4%); highest among the groups gnomAD compares: African/African-American, 4.8%; 78 homozygotes.

Submission:

GeneDx
Classification: Benign. Last evaluated: 2018-06-19. Review status: criteria provided, single submitter. Criteria: GeneDx Variant Classification (06012015). Collection method: clinical testing. Allele origin: germline. Affected: yes.
Comment: This variant is considered likely benign or benign based on one or more of the following criteria: it is a conservative change, it occurs at a poorly conserved position in the protein, it is predicted to be benign by multiple in silico algorithms, and/or has population frequency not consistent with disease.

NM_001042432.2(CLN3):c.677+147C>G

Gene: CLN3 (CLN3 lysosomal/endosomal transmembrane protein, battenin; minus strand). Cytogenetic location: 16p12.1.
Variant type: single nucleotide variant.
Coding change: c.677+147C>G on transcript NM_001042432.2 (MANE Select); 147 bases into the intron after coding-DNA position 677, C replaced by G.
Molecular consequence: intron variant.
Genome position (GRCh38, 1-based): chr16:28,486,200, G>C on the plus strand (C>G on the coding strand, the complement: CLN3 is on the minus strand). VCF-style: chr16-28486200-G-C. GRCh37 (hg19) VCF-style: chr16-28497521-G-C.
Other names: c.443+147C>G (NM_001286109.2); c.605+147C>G (NM_001286104.2); c.377+147C>G (NM_001286105.2); c.515+147C>G (NM_001286110.2); c.677+147C>G (NM_000086.2).
Identifiers: ClinVar variation 677657 (VCV000677657.1), dbSNP rs56695328, ClinGen allele CA279784250.